The following is an entry in ClinVar:

NM_001367624.2(ZNF469):c.9213C>G (p.Pro3071=)

Gene: ZNF469 (zinc finger protein 469; plus strand). Cytogenetic location: 16q24.2.
Variant type: single nucleotide variant.
Coding change: c.9213C>G on transcript NM_001367624.2 (MANE Select); coding-DNA position 9213, C replaced by G.
Protein change: p.Pro3071=; no amino-acid change (proline 3071 retained).
Molecular consequence: synonymous variant.
Genome position (GRCh38, 1-based): chr16:88,436,683, C>G. VCF-style: chr16-88436683-C-G. GRCh37 (hg19) VCF-style: chr16-88503091-C-G.
Identifiers: ClinVar variation 2646971 (VCV002646971.26), dbSNP rs267604675, ClinGen allele CA497358456.

ClinVar aggregate classification (germline): Likely benign. Review status: criteria provided, multiple submitters, no conflicts (2 of 4 stars). 2 submissions from 2 submitters: Likely benign (2). Last evaluated 2024-03-01.

Submissions (2):

Labcorp Genetics (formerly Invitae), Labcorp
Classification: Likely benign. Last evaluated: 2024-03-01. Review status: criteria provided, single submitter. Criteria: Invitae Variant Classification Sherloc (09022015). Collection method: clinical testing. Allele origin: germline.

CeGaT Center for Human Genetics Tuebingen
Classification: Likely benign. Last evaluated: 2023-02-01. Review status: criteria provided, single submitter. Criteria: CeGaT Center For Human Genetics Tuebingen Variant Classification Criteria Version 2. Collection method: clinical testing. Allele origin: germline. Affected: yes. Observed: 1 variant allele.
Comment: ZNF469: PM2:Supporting, BP4, BP7